The following is an entry in ClinVar:

NM_001041.4(SI):c.570T>A (p.Tyr190Ter)

Gene: SI (sucrase-isomaltase; minus strand). Cytogenetic location: 3q26.1.
Variant type: single nucleotide variant.
Coding change: c.570T>A on transcript NM_001041.4 (MANE Select); coding-DNA position 570, T replaced by A.
Protein change: p.Tyr190Ter; replaces tyrosine 190 with a stop codon.
Molecular consequence: nonsense.
Genome position (GRCh38, 1-based): chr3:165,067,405, A>T on the plus strand (T>A on the coding strand, the complement: SI is on the minus strand). VCF-style: chr3-165067405-A-T. GRCh37 (hg19) VCF-style: chr3-164785193-A-T.
Other names: short protein forms Y190*.
Identifiers: ClinVar variation 2628041 (VCV002628041.1), dbSNP rs1714299831, ClinGen allele CA355034386.

ClinVar aggregate classification (germline): Likely pathogenic (1 of 4 stars; one submission).

Conditions:
Sucrase-isomaltase deficiency (CSID). Also called: Congenital sucrose isomaltose malabsorption; Sucrose isomaltose enzyme deficiency; Deficiency of isomaltase; SI DEFICIENCY. Identifiers: Orphanet 35122, MedGen C1283620, MONDO:0009114, OMIM 222900.

Submission:

Pediatric Department, Xiangya Hospital, Central South University
Classification: Likely pathogenic for Sucrase-isomaltase deficiency. Last evaluated: 2021-03-03. Review status: criteria provided, single submitter. Criteria: ACMG Guidelines, 2015. Collection method: clinical testing. Allele origin: germline. Inheritance: Autosomal recessive inheritance. Affected: yes. Observed: 1 compound heterozygote.
Comment: The c.570T>A (p.Y190*) alteration is located in exon 6 of the SI gene. This alteration results from a T to A substitution at nucleotide position 570. This sequence change creates a premature translational stop signal (p.Tyr190*) in the SI gene. It is expected to result in an absent or disrupted protein product. This variant is not present in population databases (gnomAD no frequency) and has not been reported in the literature in individuals affected with SI-related conditions. In summary, the currently available evidence indicates that the variant is pathogenic, but additional data are needed to prove that conclusively. Therefore, this variant has been classified as Likely Pathogenic.

Literature cited by the submitters: PubMed 34926337.